The following is an entry in ClinVar:

NM_000548.5(TSC2):c.3259dup (p.Glu1087fs)

Gene: TSC2 (TSC complex subunit 2; plus strand). Cytogenetic location: 16p13.3.
Variant type: Duplication.
Coding change: c.3259dup on transcript NM_000548.5 (MANE Select); coding-DNA position 3259, one base duplicated (G; older notation c.3259dupG).
Protein change: p.Glu1087fs; shifts the reading frame from glutamic acid 1087.
Molecular consequence: frameshift variant.
Genome position (GRCh38, 1-based): chr16:2,079,403, G duplicated; the last of 5 consecutive G bases (chr16:2,079,399-2,079,403); duplicating any one gives the same sequence. VCF-style (leftmost placement, unchanged base first): chr16-2079398-C-CG. GRCh37 (hg19) VCF-style: chr16-2129399-C-CG.
Other names: c.3127dup, p.Glu1043fs (NM_001077183.3, NM_001370404.1); c.3259dup, p.Glu1087fs (NM_001114382.3); c.3019dup, p.Glu1007fs (NM_001318827.2); c.2983dup, p.Glu995fs (NM_001318829.2); c.2527dup, p.Glu843fs (NM_001318831.2); c.3160dup, p.Glu1054fs (NM_001318832.2); c.3130dup, p.Glu1044fs (NM_001363528.2, NM_001370405.1, NM_021055.3); short protein forms E1044fs, E1087fs, E1007fs, E843fs, E995fs, E1043fs, E1054fs.
Identifiers: ClinVar variation 50056 (VCV000050056.16), dbSNP rs137854302, ClinGen allele CA018759.
Genomic context (GRCh38, chr16:2,079,398, plus strand): 5'-AGCTTGTCACTGTGACGACAAGCGTGGGAACCGGGACCCGGTCGTTACTAGGCCTGGACT[C>CG]GGGGGAGCTGCAGTCCGGCCCGGAGTCGAGGTGACTGCACCTTCCTTTCCTCCGCGCCTG-3'

ClinVar aggregate classification (germline): Pathogenic. Review status: criteria provided, multiple submitters, no conflicts (2 of 4 stars). 7 submissions from 7 submitters: Pathogenic (6). 1 of the submissions does not count toward it. Last evaluated 2026-02-09.

Conditions:
TSC2-related disorder. Also called: TSC2-Related Disorders; TSC2-related condition.
Hereditary cancer-predisposing syndrome. Also called: Tumor predisposition; Neoplastic Syndromes, Hereditary; Hereditary neoplastic syndrome; Hereditary Cancer Syndrome. Identifiers: Orphanet 140162, MedGen C0027672, MeSH D009386, MONDO:0015356.
Tuberous sclerosis syndrome (TSC). Also called: Tuberous Sclerosis Complex; Tuberous sclerosis. Identifiers: Orphanet 805, MedGen C0041341, MONDO:0001734.
Tuberous sclerosis 2 (TSC2). Identifiers: Orphanet 805, MedGen C1860707, MONDO:0013199, OMIM 613254.
Tuberous sclerosis 1 (TSC1). Identifiers: Orphanet 805, MedGen C1854465, MONDO:0008612, OMIM 191100.

Allele frequency attached by ClinVar (database versions not stated): gnomAD exomes below 0.00001; ExAC 0.00001.

Submissions (7):

Institute of Medical Genetics and Applied Genomics, University Hospital Tübingen
Classification: Pathogenic for Tuberous sclerosis syndrome. Last evaluated: 2026-02-09. Review status: criteria provided, single submitter. Criteria: ACMG Guidelines, 2015. Collection method: clinical testing. Allele origin: germline. Inheritance: Autosomal dominant inheritance. Affected: yes.

Blueprint Genetics
Classification: Pathogenic for TSC2-related disorders. Last evaluated: 2024-10-25. Review status: criteria provided, single submitter. Criteria: ACMG Guidelines, 2015. Collection method: clinical testing. Allele origin: germline. Affected: yes. Observed: 1 variant allele.

Labcorp Genetics (formerly Invitae), Labcorp
Classification: Pathogenic for Tuberous sclerosis 2. Last evaluated: 2023-03-17. Review status: criteria provided, single submitter. Criteria: Invitae Variant Classification Sherloc (09022015). Collection method: clinical testing. Allele origin: germline.
Comment: For these reasons, this variant has been classified as Pathogenic. ClinVar contains an entry for this variant (Variation ID: 50056). This premature translational stop signal has been observed in individual(s) with TSC2-related conditions (PMID: 17304050, 21520333). This variant is not present in population databases (gnomAD no frequency). This sequence change creates a premature translational stop signal (p.Glu1087Glyfs*81) in the TSC2 gene. It is expected to result in an absent or disrupted protein product. Loss-of-function variants in TSC2 are known to be pathogenic (PMID: 10205261, 17304050).

Genome-Nilou Lab
Classification: Pathogenic for Tuberous sclerosis 2. Last evaluated: 2021-11-07. Review status: criteria provided, single submitter. Criteria: ACMG Guidelines, 2015. Collection method: clinical testing. Allele origin: germline. Affected: no.

Institute of Human Genetics, University of Leipzig Medical Center
Classification: Pathogenic for Tuberous sclerosis 1. Last evaluated: 2021-10-14. Review status: criteria provided, single submitter. Criteria: ACMG Guidelines, 2015. Collection method: clinical testing. Allele origin: unknown. Affected: yes.
Comment: _x000D_ Criteria applied: PVS1, PS4_MOD, PM2_SUP

Ambry Genetics
Classification: Pathogenic for Hereditary cancer-predisposing syndrome. Last evaluated: 2020-10-29. Review status: criteria provided, single submitter. Criteria: Ambry Variant Classification Scheme 2023. Collection method: clinical testing. Allele origin: germline.
Comment: The c.3259dupG (p.E1087Gfs*81) alteration, located in exon 28 (coding exon 27) of the TSC2 gene, consists of a duplication of G at position 3259, causing a translational frameshift with a predicted alternate stop codon after 81 amino acids. In addition to the clinical data presented in the literature, this alteration is expected to result in loss of function by premature protein truncation or nonsense-mediated mRNA decay. In a cohort of individuals with clinical features of tuberous sclerosis (TSC), this mutation was identified in an individual with a diagnosis of TSC (Au, 2007). Based on the available evidence, this alteration is classified as pathogenic.

Tuberous sclerosis database (TSC2)
No classification provided. Condition: TSC. Review status: no classification provided. Criteria: Tuberous Sclerosis Database Assertion Criteria 2015. Collection method: curation. Allele origin: germline. Affected: yes. Not counted in ClinVar's aggregate classification.

Literature cited by the submitters: PubMed 17304050 (cited by Labcorp Genetics (formerly Invitae), Labcorp and Ambry Genetics); PubMed 21520333 (cited by Labcorp Genetics (formerly Invitae), Labcorp); PubMed 10205261 (cited by Labcorp Genetics (formerly Invitae), Labcorp).